The following is an entry in ClinVar:

NM_002382.5(MAX):c.436C>G (p.Pro146Ala)

Gene: MAX (MYC associated transcriptional regulator X; minus strand). Cytogenetic location: 14q23.3.
Variant type: single nucleotide variant.
Coding change: c.436C>G on transcript NM_002382.5 (MANE Select); coding-DNA position 436, C replaced by G.
Protein change: p.Pro146Ala; replaces proline 146 with alanine.
Molecular consequence: missense variant. On other transcripts: 3 prime UTR variant (12), non-coding transcript variant (7), intron variant (2).
Genome position (GRCh38, 1-based): chr14:65,076,523, G>C on the plus strand (C>G on the coding strand, the complement: MAX is on the minus strand). VCF-style: chr14-65076523-G-C. GRCh37 (hg19) VCF-style: chr14-65543241-G-C.
Other names: c.247C>G, p.Pro83Ala (NM_001320415.2, NM_001407105.1, NM_001407106.1 and 1 more transcripts); c.436C>G, p.Pro146Ala (NM_001407094.1); c.409C>G, p.Pro137Ala (NM_001407095.1, NM_145112.3); c.*209C>G (NM_001407096.1, NM_001407099.1, NM_001407102.1 and 2 more transcripts); c.*225C>G (NM_001407097.1, NM_001407100.1, NM_001407101.1 and 4 more transcripts); c.328C>G, p.Pro110Ala (NM_001407098.1); c.235C>G, p.Pro79Ala (NM_001407111.1, NM_001407112.1); c.144+17185C>G (NM_001271069.2); and 1 more; short protein forms P137A, P146A, P110A, P79A, P83A.
Identifiers: ClinVar variation 4717600 (VCV004717600.2).

ClinVar aggregate classification (germline): Uncertain significance. Review status: criteria provided, multiple submitters, no conflicts (2 of 4 stars). 2 submissions from 2 submitters: Uncertain significance (2). Last evaluated 2026-07-06.

Conditions:
Hereditary pheochromocytoma and paraganglioma. Also called: Hereditary pheochromocytoma-paraganglioma; Hereditary Paraganglioma-Pheochromocytoma Syndromes; Hereditary paragangliomas and pheochromocytomas. Identifiers: Orphanet 29072, MedGen C4274332, MONDO:0017366.
Hereditary cancer-predisposing syndrome. Also called: Hereditary Cancer Syndrome; Hereditary neoplastic syndrome; Neoplastic Syndromes, Hereditary; Tumor predisposition. Identifiers: Orphanet 140162, MedGen C0027672, MeSH D009386, MONDO:0015356.

Submissions (2):

Ambry Genetics
Classification: Uncertain significance for Hereditary cancer-predisposing syndrome. Last evaluated: 2026-07-06. Review status: criteria provided, single submitter. Criteria: Ambry Variant Classification Scheme 2023. Collection method: clinical testing. Allele origin: germline.
Comment: The p.P146A variant (also known as c.436C>G), located in coding exon 5 of the MAX gene, results from a C to G substitution at nucleotide position 436. The proline at codon 146 is replaced by alanine, an amino acid with highly similar properties. This amino acid position is conserved. In addition, this alteration is predicted to be tolerated by in silico analysis. Based on the available evidence, the clinical significance of this variant remains unclear.

Labcorp Genetics (formerly Invitae), Labcorp
Classification: Uncertain significance for Hereditary pheochromocytoma and paraganglioma. Last evaluated: 2025-04-17. Review status: criteria provided, single submitter. Criteria: Invitae Variant Classification Sherloc (09022015). Collection method: clinical testing. Allele origin: germline.
Comment: This sequence change replaces proline, which is neutral and non-polar, with alanine, which is neutral and non-polar, at codon 146 of the MAX protein (p.Pro146Ala). This variant is not present in population databases (gnomAD no frequency). This variant has not been reported in the literature in individuals affected with MAX-related conditions. An algorithm developed to predict the effect of missense changes on protein structure and function (PolyPhen-2) suggests that this variant is likely to be tolerated. In summary, the available evidence is currently insufficient to determine the role of this variant in disease. Therefore, it has been classified as a Variant of Uncertain Significance.